The following is an entry in ClinVar:

ClinVar aggregate classification (germline): Uncertain significance (1 of 4 stars; one submission).

Conditions:
Hereditary spastic paraplegia 39 (SPG39). Also called: Spastic Paraplegia Type 39 (SPG39); SPASTIC PARAPLEGIA 39, AUTOSOMAL RECESSIVE. Identifiers: Orphanet 139480, MedGen C2677586, MONDO:0012787, OMIM 612020.

Allele frequency attached by ClinVar (database versions not stated): TOPMed 0.00002; gnomAD 0.00003; ESP Exome Variant Server 0.00008.
gnomAD v4.1: 29 of 1,614,012 alleles (0.0018%); highest among the groups gnomAD compares: East Asian, 0.0045%; no homozygotes.

Submission:

Labcorp Genetics (formerly Invitae), Labcorp
Classification: Uncertain significance for Hereditary spastic paraplegia 39. Last evaluated: 2021-09-01. Review status: criteria provided, single submitter. Criteria: Invitae Variant Classification Sherloc (09022015). Collection method: clinical testing. Allele origin: germline.
Comment: This sequence change replaces threonine with methionine at codon 765 of the PNPLA6 protein (p.Thr765Met). The threonine residue is highly conserved and there is a moderate physicochemical difference between threonine and methionine. This variant is not present in population databases (ExAC no frequency). This variant has not been reported in the literature in individuals affected with PNPLA6-related conditions. Algorithms developed to predict the effect of missense changes on protein structure and function are either unavailable or do not agree on the potential impact of this missense change (SIFT: "Deleterious"; PolyPhen-2: "Probably Damaging"; Align-GVGD: "Class C0"). In summary, the available evidence is currently insufficient to determine the role of this variant in disease. Therefore, it has been classified as a Variant of Uncertain Significance.

NM_001166114.2(PNPLA6):c.2408C>T (p.Thr803Met)

Gene: PNPLA6 (patatin like domain 6, lysophospholipase; plus strand). Cytogenetic location: 19p13.2.
Variant type: single nucleotide variant.
Coding change: c.2408C>T on transcript NM_001166114.2 (MANE Select); coding-DNA position 2408, C replaced by T.
Protein change: p.Thr803Met; replaces threonine 803 with methionine.
Molecular consequence: missense variant.
Genome position (GRCh38, 1-based): chr19:7,554,215, C>T. VCF-style: chr19-7554215-C-T. GRCh37 (hg19) VCF-style: chr19-7619101-C-T.
Other names: c.2438C>T, p.Thr813Met (NM_001166111.2); c.2213C>T, p.Thr738Met (NM_001166112.2); c.2294C>T, p.Thr765Met (NM_001166113.1, NM_006702.5); short protein forms T765M, T813M, T738M, T803M.
Identifiers: ClinVar variation 855271 (VCV000855271.6), dbSNP rs374789348, ClinGen allele CA304878510.
Genomic context (GRCh38, chr19:7,554,215, plus strand): 5'-GGCCCCAGCCCTGTGGACCATGGTTCCCAGCCTCCCTTCCCCACCTACCCCTAGGTCCGA[C>T]GCTACTCCTTAACAGTGACATCATCCGGGCACGCCTGGGGGCCTCCGCACTGGATAGGTG-3'
Protein context (NP_001159586.1, residues 793-813): LQHALQAIGP[Thr803Met]LLLNSDIIRA